The following is an entry in ClinVar:

ClinVar aggregate classification (germline): Likely benign (0 of 4 stars; one submission).

Conditions:
NRXN3-related disorder. Also called: NRXN3-related condition.

Allele frequency attached by ClinVar (database versions not stated): gnomAD exomes 0.00007; TOPMed 0.00012; gnomAD 0.00013; ExAC 0.00014.
gnomAD v4.1: 132 of 1,558,050 alleles (0.0085%); highest among the groups gnomAD compares: Admixed American, 0.052%; no homozygotes.

Submission:

PreventionGenetics, part of Exact Sciences
Classification: Likely benign for NRXN3-related condition. Last evaluated: 2019-05-31. Review status: no assertion criteria provided. Collection method: clinical testing. Allele origin: germline.
Comment: This variant is classified as likely benign based on ACMG/AMP sequence variant interpretation guidelines (Richards et al. 2015 PMID: 25741868, with internal and published modifications).

NM_001330195.2(NRXN3):c.210C>T (p.Gly70=)

Gene: NRXN3 (neurexin 3; plus strand). Cytogenetic location: 14q24.3.
Variant type: single nucleotide variant.
Coding change: c.210C>T on transcript NM_001330195.2 (MANE Select); coding-DNA position 210, C replaced by T.
Protein change: p.Gly70=; no amino-acid change (glycine 70 retained).
Molecular consequence: synonymous variant. On other transcripts: non-coding transcript variant (4).
Genome position (GRCh38, 1-based): chr14:78,243,303, C>T. VCF-style: chr14-78243303-C-T. GRCh37 (hg19) VCF-style: chr14-78709646-C-T.
Other names: c.210C>T, p.Gly70= (NM_001366425.1, NM_001366426.1).
Identifiers: ClinVar variation 3043608 (VCV003043608.2), dbSNP rs773225464, ClinGen allele CA7291294.
Genomic context (GRCh38, chr14:78,243,303, plus strand): 5'-CCTGAGTTTCCAGTTCAAGACCAACGTCTCTACGGGGCTGCTCCTCTACCTGGATGATGG[C>T]GGCGTCTGCGACTTCCTATGCCTCTCCCTGGTGGATGGCCGCGTTCAGCTCCGCTTCAGC-3'
Protein context (NP_001317124.1, residues 60-80): STGLLLYLDD[Gly70=]GVCDFLCLSL